The following is an entry in ClinVar:

NM_000965.5(RARB):c.702G>C (p.Glu234Asp)

Gene: RARB (retinoic acid receptor beta; plus strand). Cytogenetic location: 3p24.2.
Variant type: single nucleotide variant.
Coding change: c.702G>C on transcript NM_000965.5 (MANE Select); coding-DNA position 702, G replaced by C.
Protein change: p.Glu234Asp; replaces glutamic acid 234 with aspartic acid.
Molecular consequence: missense variant. On other transcripts: non-coding transcript variant (2).
Genome position (GRCh38, 1-based): chr3:25,580,638, G>C. VCF-style: chr3-25580638-G-C. GRCh37 (hg19) VCF-style: chr3-25622129-G-C.
Other names: c.723G>C, p.Glu241Asp (NM_001290216.3); c.366G>C, p.Glu122Asp (NM_001290217.2, NM_001290276.2, NM_016152.4); c.555G>C, p.Glu185Asp (NM_001290266.2); c.702G>C, p.Glu234Asp (NM_001290277.1); c.573G>C, p.Glu191Asp (NM_001290300.2); short protein forms E122D, E185D, E191D, E234D, E241D.
Identifiers: ClinVar variation 3037092 (VCV003037092.2), dbSNP rs1270694007, ClinGen allele CA351897187.
Genomic context (GRCh38, chr3:25,580,638, plus strand): 5'-CCTGGGCCTCTGGGACAAATTCAGTGAACTGGCCACCAAGTGCATTATTAAGATCGTGGA[G>C]TTTGCTAAACGTCTGCCTGGTTTCACTGGCTTGACCATCGCAGACCAAATTACCCTGCTG-3'
Protein context (NP_000956.2, residues 224-244): LATKCIIKIV[Glu234Asp]FAKRLPGFTG

ClinVar aggregate classification (germline): Uncertain significance (0 of 4 stars; one submission).

Conditions:
RARB-related disorder. Also called: RARB-related condition.

Allele frequency attached by ClinVar (database versions not stated): TOPMed below 0.00001; gnomAD 0.00001; gnomAD exomes 0.00001.
gnomAD v4.1: 4 of 1,613,294 alleles (0.00025%); highest among the groups gnomAD compares: Non-Finnish European, 0.00034%; no homozygotes.

Submission:

PreventionGenetics, part of Exact Sciences
Classification: Uncertain significance for RARB-related condition. Last evaluated: 2023-12-09. Review status: no assertion criteria provided. Collection method: clinical testing. Allele origin: germline.
Comment: The RARB c.702G>C variant is predicted to result in the amino acid substitution p.Glu234Asp. To our knowledge, this variant has not been reported in the literature or in a large population database, indicating this variant is rare. At this time, the clinical significance of this variant is uncertain due to the absence of conclusive functional and genetic evidence.